The following is an entry in ClinVar:

NM_000504.4(F10):c.1241C>G (p.Ala414Gly)

Genes: F10 (coagulation factor X; plus strand), F10-AS2 (F10 antisense RNA 2; minus strand). Cytogenetic location: 13q34.
Variant type: single nucleotide variant.
Coding change: c.1241C>G on transcript NM_000504.4 (MANE Select); coding-DNA position 1241, C replaced by G.
Protein change: p.Ala414Gly; replaces alanine 414 with glycine.
Molecular consequence: missense variant. On other transcripts: 3 prime UTR variant (1).
Genome position (GRCh38, 1-based): chr13:113,149,291, C>G. VCF-style: chr13-113149291-C-G. GRCh37 (hg19) VCF-style: chr13-113803605-C-G.
Other names: c.1109C>G, p.Ala370Gly (NM_001312674.2); c.*232C>G (NM_001312675.2); short protein forms A370G, A414G.
Identifiers: ClinVar variation 5000458 (VCV005000458.1).

ClinVar aggregate classification (germline): Uncertain significance (1 of 4 stars; one submission).

Conditions:
F10-related disorder. Also called: F10-related condition.

Submission:

PreventionGenetics, part of Exact Sciences
Classification: Uncertain significance for F10-related condition. Last evaluated: 2025-07-03. Review status: criteria provided, single submitter. Criteria: ACMG Guidelines, 2015. Collection method: clinical testing. Allele origin: germline.
Comment: The F10 c.1241C>G variant is predicted to result in the amino acid substitution p.Ala414Gly. To our knowledge, this variant has not been reported in the literature or in a large population database (gnomAD), indicating this variant is rare. At this time, the clinical significance of this variant is uncertain due to the absence of conclusive functional and genetic evidence.